The following is an entry in ClinVar:

ClinVar aggregate classification (germline): Pathogenic (1 of 4 stars; one submission).

Conditions:
Bainbridge-Ropers syndrome. Also called: Severe feeding difficulties-failure to thrive-microcephaly due to ASXL3 deficiency syndrome. Identifiers: Orphanet 352577, MedGen C4750837, MONDO:0014205, OMIM 615485.

Submission:

MGZ Medical Genetics Center
Classification: Pathogenic for Bainbridge-Ropers syndrome. Last evaluated: 2022-08-26. Review status: criteria provided, single submitter. Criteria: ACMG Guidelines, 2015. Collection method: clinical testing. Allele origin: germline. Affected: yes. Observed: 1 variant allele.
Comment: ACMG criteria applied: PVS1, PS2, PM2_SUP

NM_030632.3(ASXL3):c.3275dup (p.Gly1094fs)

Gene: ASXL3 (ASXL transcriptional regulator 3; plus strand). Cytogenetic location: 18q12.1.
Variant type: Duplication.
Coding change: c.3275dup on transcript NM_030632.3 (MANE Select); coding-DNA position 3275, one base duplicated (A; older notation c.3275dupA).
Protein change: p.Gly1094fs; shifts the reading frame from glycine 1094.
Molecular consequence: frameshift variant.
Genome position (GRCh38, 1-based): chr18:33,743,123, A duplicated. VCF-style (leftmost placement, unchanged base first): chr18-33743122-G-GA. GRCh37 (hg19) VCF-style: chr18-31323086-G-GA.
Other names: short protein forms G1094fs.
Identifiers: ClinVar variation 1709724 (VCV001709724.2), dbSNP rs2510924694, ClinGen allele CA2580095670.